The following is an entry in ClinVar:

NM_022047.4(DEF6):c.1083G>A (p.Leu361=)

Gene: DEF6 (DEF6 guanine nucleotide exchange factor; plus strand). Cytogenetic location: 6p21.31.
Variant type: single nucleotide variant.
Coding change: c.1083G>A on transcript NM_022047.4 (MANE Select); coding-DNA position 1083, G replaced by A.
Protein change: p.Leu361=; no amino-acid change (leucine 361 retained).
Molecular consequence: synonymous variant.
Genome position (GRCh38, 1-based): chr6:35,318,339, G>A. VCF-style: chr6-35318339-G-A. GRCh37 (hg19) VCF-style: chr6-35286116-G-A.
Identifiers: ClinVar variation 3898567 (VCV003898567.7).

ClinVar aggregate classification (germline): Likely benign (1 of 4 stars; one submission).

Submission:

CeGaT Center for Human Genetics Tuebingen
Classification: Likely benign. Last evaluated: 2025-04-01. Review status: criteria provided, single submitter. Criteria: CeGaT Center For Human Genetics Tuebingen Variant Classification Criteria Version 2. Collection method: clinical testing. Allele origin: germline. Affected: yes. Observed: 1 variant allele.
Comment: DEF6: PM2:Supporting, BP4, BP7